The following is an entry in ClinVar:

ClinVar aggregate classification (germline): Benign. Review status: criteria provided, single submitter (1 of 4 stars). 2 submissions from 2 submitters: Benign (1). 1 of the submissions does not count toward it. Last evaluated 2025-02-15.

Conditions:
TRPV3-related disorder. Also called: TRPV3-related condition.

Allele frequency attached by ClinVar (database versions not stated): TOPMed 0.00005; gnomAD 0.00013; ESP Exome Variant Server 0.00015; gnomAD exomes 0.00022; ExAC 0.00039; 1000 Genomes Project 30x 0.00078; 1000 Genomes Project 0.00080.
gnomAD v4.1: 338 of 1,614,262 alleles (0.021%); highest among the groups gnomAD compares: South Asian, 0.23%; 1 homozygote.

Submissions (2):

Labcorp Genetics (formerly Invitae), Labcorp
Classification: Benign. Last evaluated: 2025-02-15. Review status: criteria provided, single submitter. Criteria: Invitae Variant Classification Sherloc (09022015). Collection method: clinical testing. Allele origin: germline.

PreventionGenetics, part of Exact Sciences
Classification: Likely benign for TRPV3-related condition. Last evaluated: 2019-05-08. Review status: no assertion criteria provided. Collection method: clinical testing. Allele origin: germline. Not counted in ClinVar's aggregate classification.
Comment: This variant is classified as likely benign based on ACMG/AMP sequence variant interpretation guidelines (Richards et al. 2015 PMID: 25741868, with internal and published modifications).

NM_145068.4(TRPV3):c.1653C>T (p.Leu551=)

Gene: TRPV3 (transient receptor potential cation channel subfamily V member 3; minus strand). Cytogenetic location: 17p13.2.
Variant type: single nucleotide variant.
Coding change: c.1653C>T on transcript NM_145068.4 (MANE Select); coding-DNA position 1653, C replaced by T.
Protein change: p.Leu551=; no amino-acid change (leucine 551 retained).
Molecular consequence: synonymous variant.
Genome position (GRCh38, 1-based): chr17:3,524,288, G>A on the plus strand (C>T on the coding strand, the complement: TRPV3 is on the minus strand). VCF-style: chr17-3524288-G-A. GRCh37 (hg19) VCF-style: chr17-3427582-G-A.
Other names: c.1653C>T, p.Leu551= (NM_001258205.2).
Identifiers: ClinVar variation 3041536 (VCV003041536.3), dbSNP rs200686536, ClinGen allele CA8289369.